The following is an entry in ClinVar:

ClinVar aggregate classification (germline): Pathogenic/Likely pathogenic. Review status: criteria provided, multiple submitters, no conflicts (2 of 4 stars). 6 submissions from 6 submitters: Pathogenic (3); Likely pathogenic (1). 2 of the submissions do not count toward it. Last evaluated 2026-01-31.

Conditions:
Primary hyperoxaluria type 3. Also called: PH III. Identifiers: Orphanet 416, Orphanet 93600, MedGen C3150878, MONDO:0013327, OMIM 613616. Disease mechanism: loss of function.

Allele frequency attached by ClinVar (database versions not stated): TOPMed 0.00001; gnomAD exomes 0.00002; gnomAD 0.00003.
gnomAD v4.1: 31 of 1,612,874 alleles (0.0019%); highest among the groups gnomAD compares: Middle Eastern, 0.019%; no homozygotes.

Submissions (6):

Labcorp Genetics (formerly Invitae), Labcorp
Classification: Pathogenic. Last evaluated: 2026-01-31. Review status: criteria provided, single submitter. Criteria: Invitae Variant Classification Sherloc (09022015). Collection method: clinical testing. Allele origin: germline.
Comment: This sequence change creates a premature translational stop signal (p.Arg255*) in the HOGA1 gene. While this is not anticipated to result in nonsense mediated decay, it is expected to disrupt the last 73 amino acid(s) of the HOGA1 protein. This variant is present in population databases (rs796052086, gnomAD 0.01%). This premature translational stop signal has been observed in individual(s) with hyperoxaluria (PMID: 21896830). ClinVar contains an entry for this variant (Variation ID: 204276). Algorithms developed to predict the effect of variants on gene product structure and function are not available or were not evaluated for this variant. Experimental studies have shown that this premature translational stop signal affects HOGA1 function (PMID: 22771891). For these reasons, this variant has been classified as Pathogenic.

Natera, Inc.
Classification: Pathogenic for Primary hyperoxaluria type III. Last evaluated: 2026-01-26. Review status: criteria provided, single submitter. Criteria: Natera Variant Classification Schema (03/2026). Collection method: clinical testing. Allele origin: germline.
Comment: The c.763C>T variant in HOGA1 is a nonsense variant predicted to introduce a stop codon at amino acid 255. This variant is expected to result in nonsense mediated decay, truncation, or a dysfunctional protein product. This variant is rare in the general population with a frequency below the threshold expected for the associated phenotype(s). This variant has been observed in one or more individuals affected with the associated recessive disease, as either homozygous or compound heterozygous with a second variant (PMID: 35149915). Given the available evidence, this variant is classified as Pathogenic.

Fulgent Genetics
Classification: Pathogenic for Primary hyperoxaluria type 3. Last evaluated: 2024-04-04. Review status: criteria provided, single submitter. Criteria: ACMG Guidelines, 2015. Collection method: clinical testing. Allele origin: germline.

Women's Health and Genetics/Laboratory Corporation of America, LabCorp
Classification: Likely pathogenic for Primary hyperoxaluria type 3. Last evaluated: 2022-02-18. Review status: criteria provided, single submitter. Criteria: LabCorp Variant Classification Summary - May 2015. Collection method: clinical testing. Allele origin: germline.
Comment: Variant summary: HOGA1 c.763C>T (p.Arg255X) results in a premature termination codon, predicted to cause a truncation of the encoded protein, which is a commonly known mechanisms for disease. The variant does not alter transcript abundance between the C or T alleles, indicating it does not induce nonsense mediated decay (Monico_2011). Truncations downstream of this position have been classified as likely pathogenic by ClinVar (c.796C>T [p.Gln266Ter], 551622). The variant allele was found at a frequency of 1.6e-05 in 249780 control chromosomes (gnomAD). c.763C>T has been reported in the literature in one individual affected with Primary Hyperoxaluria, Type III in compound heterozygous state (Monico_2011). No ClinVar submitters have assessed the variant since 2014. Based on the evidence outlined above, the variant was classified as likely pathogenic.

Chinese Inherited Urolithiasis Consortium, The Affiliated Yantai Yuhuangding Hospital of Qingdao University
Classification: Pathogenic for Primary hyperoxaluria type 3. Last evaluated: 2024-08-26. Review status: no assertion criteria provided. Collection method: clinical testing. Allele origin: paternal. Affected: yes. Observed: 1 variant allele. Not counted in ClinVar's aggregate classification.

Clinical Biochemistry Laboratory, Health Services Laboratory
Classification: Pathogenic for Primary hyperoxaluria, type III. Last evaluated: 2014-11-27. Review status: no assertion criteria provided. Collection method: research. Allele origin: germline. Affected: yes. Not counted in ClinVar's aggregate classification.

Literature cited by the submitters: PubMed 21896830 (cited by 3 submitters); PubMed 22771891 (cited by Labcorp Genetics (formerly Invitae), Labcorp); PubMed 35149915 (cited by Natera, Inc.); PubMed 21998747 (cited by Women's Health and Genetics/Laboratory Corporation of America, LabCorp).

NM_138413.4(HOGA1):c.763C>T (p.Arg255Ter)

Gene: HOGA1 (4-hydroxy-2-oxoglutarate aldolase 1; plus strand). Cytogenetic location: 10q24.2.
Variant type: single nucleotide variant.
Coding change: c.763C>T on transcript NM_138413.4 (MANE Select); coding-DNA position 763, C replaced by T.
Protein change: p.Arg255Ter; replaces arginine 255 with a stop codon.
Molecular consequence: nonsense.
Genome position (GRCh38, 1-based): chr10:97,601,919, C>T. VCF-style: chr10-97601919-C-T. GRCh37 (hg19) VCF-style: chr10-99361676-C-T.
Other names: c.274C>T, p.Arg92Ter (NM_001134670.2); short protein forms R255*, R92*.
Identifiers: ClinVar variation 204276 (VCV000204276.15), dbSNP rs796052086, ClinGen allele CA203961.